The following is an entry in ClinVar:

NM_000264.5(PTCH1):c.2287dup (p.Val763fs)

Genes: PTCH1 (patched 1; minus strand), LOC100507346 (uncharacterized LOC100507346; plus strand). Cytogenetic location: 9q22.32.
Variant type: Duplication.
Coding change: c.2287dup on transcript NM_000264.5 (MANE Select); coding-DNA position 2287, one base duplicated (G; older notation c.2287dupG).
Protein change: p.Val763fs; shifts the reading frame from valine 763.
Molecular consequence: frameshift variant. On other transcripts: non-coding transcript variant (1).
Genome position (GRCh38, 1-based): chr9:95,467,389, C duplicated on the plus strand (G on the coding strand, the reverse complement: PTCH1 is on the minus strand); the first of 5 consecutive C bases (chr9:95,467,389-95,467,393); duplicating any one gives the same sequence. VCF-style (leftmost placement, unchanged base first): chr9-95467388-A-AC. GRCh37 (hg19) VCF-style: chr9-98229670-A-AC.
Other names: c.2131dup, p.Val711fs (NM_001354918.2); c.2089dup, p.Val697fs (NM_001083602.3); c.2284dup, p.Val762fs (NM_001083603.3); c.1834dup, p.Val612fs (NM_001083604.3, NM_001083605.3, NM_001083606.3 and 1 more transcripts); short protein forms V762fs, V763fs, V612fs, V697fs, V711fs.
Identifiers: ClinVar variation 945805 (VCV000945805.12), dbSNP rs1840109796, ClinGen allele CA1139659356.

ClinVar aggregate classification (germline): Pathogenic. Review status: criteria provided, multiple submitters, no conflicts (2 of 4 stars). 2 submissions from 2 submitters: Pathogenic (2). Last evaluated 2019-04-06.

Conditions:
Gorlin syndrome. Also called: Nevoid Basal Cell Carcinoma Syndrome; Basal cell nevus syndrome. Identifiers: Orphanet 377, MedGen C0004779, MONDO:0007187.
Basal cell nevus syndrome 1 (BCNS1). Also called: GORLIN-GOLTZ SYNDROME; MULTIPLE BASAL CELL NEVI, ODONTOGENIC KERATOCYSTS, AND SKELETAL ANOMALIES. Identifiers: MedGen CN376810, MONDO:0958174, OMIM 109400.

Submissions (2):

Labcorp Genetics (formerly Invitae), Labcorp
Classification: Pathogenic for Gorlin syndrome. Last evaluated: 2019-04-06. Review status: criteria provided, single submitter. Criteria: Invitae Variant Classification Sherloc (09022015). Collection method: clinical testing. Allele origin: germline.
Comment: For these reasons, this variant has been classified as Pathogenic. Loss-of-function variants in PTCH1 are known to be pathogenic (PMID: 16301862, 16419085). This variant has been observed in individuals with clinical features of basal cell nevus syndrome (PMID: 24814739). This variant is not present in population databases (ExAC no frequency). This sequence change creates a premature translational stop signal (p.Val763Glyfs*27) in the PTCH1 gene. It is expected to result in an absent or disrupted protein product.

Kasturba Medical College, Manipal, Kasturba Medical College, Manipal, Manipal Academy of Higher Education, Manipal, India
Classification: Pathogenic for Basal cell nevus syndrome 1. Review status: criteria provided, single submitter. Criteria: ACMG Guidelines, 2015. Collection method: research. Allele origin: germline. Inheritance: Autosomal dominant inheritance. Affected: yes. Observed: 1 heterozygote.
Comment: The parent's sample was not available for testing. The variant is absent in gnomAD (v4.1.0) and our in-house database of 3274 exomes. This variant is likely to cause shift in the reading frame of the transcript which can either trigger nonsense-mediated mRNA decay or lead to formation of a truncated protein product.

Literature cited by the submitters: PubMed 16301862 (cited by Labcorp Genetics (formerly Invitae), Labcorp); PubMed 16419085 (cited by Labcorp Genetics (formerly Invitae), Labcorp); PubMed 24814739 (cited by Labcorp Genetics (formerly Invitae), Labcorp).